The following is an entry in ClinVar:

NM_147127.5(EVC2):c.439dup (p.Thr147fs)

Gene: EVC2 (EvC ciliary complex subunit 2; minus strand). Cytogenetic location: 4p16.2.
Variant type: Duplication.
Coding change: c.439dup on transcript NM_147127.5 (MANE Select); coding-DNA position 439, one base duplicated (A; older notation c.439dupA).
Protein change: p.Thr147fs; shifts the reading frame from threonine 147.
Molecular consequence: frameshift variant.
Genome position (GRCh38, 1-based): chr4:5,694,346, T duplicated on the plus strand (A on the coding strand, the reverse complement: EVC2 is on the minus strand); the first of 2 consecutive T bases (chr4:5,694,346-5,694,347); duplicating either gives the same sequence. VCF-style (leftmost placement, unchanged base first): chr4-5694345-G-GT. GRCh37 (hg19) VCF-style: chr4-5696072-G-GT.
Other names: c.199dup, p.Thr67fs (NM_001166136.2); short protein forms T147fs, T67fs.
Identifiers: ClinVar variation 5014912 (VCV005014912.1).

ClinVar aggregate classification (germline): Pathogenic (1 of 4 stars; one submission).

Conditions:
Ellis-van Creveld syndrome (EVC). Also called: MESOECTODERMAL DYSPLASIA; Chondroectodermal dysplasia. Identifiers: Orphanet 289, MedGen C0013903, MONDO:0009162, OMIM 225500.

Submission:

Myriad Genetics, Inc.
Classification: Pathogenic for Ellis-van Creveld syndrome. Last evaluated: 2025-08-24. Review status: criteria provided, single submitter. Criteria: Myriad Autosomal Dominant, Autosomal Recessive and X-Linked Classification Criteria (2023). Collection method: clinical testing. Allele origin: unknown.
Comment: NM_147127.4(EVC2):c.439dupA(T147Nfs*17) is expected to be pathogenic in the context of EVC2-related Ellis-van Creveld syndrome. This variant is predicted to lead to an abnormal or absent protein product due to the creation of a premature termination codon in EVC2, a gene where loss-of-function variants are known to be pathogenic. Please note: this variant was assessed in the context of healthy population screening.